The following is an entry in ClinVar:

ClinVar aggregate classification (germline): Uncertain significance (1 of 4 stars; one submission).

Allele frequency attached by ClinVar (database versions not stated): ExAC 0.00001; 1000 Genomes Project 30x 0.00016; 1000 Genomes Project 0.00020.

Submission:

Labcorp Genetics (formerly Invitae), Labcorp
Classification: Uncertain significance. Last evaluated: 2021-08-05. Review status: criteria provided, single submitter. Criteria: Invitae Variant Classification Sherloc (09022015). Collection method: clinical testing. Allele origin: germline.
Comment: This sequence change replaces tyrosine with aspartic acid at codon 330 of the SERPING1 protein (p.Tyr330Asp). The tyrosine residue is highly conserved and there is a large physicochemical difference between tyrosine and aspartic acid. This variant is present in population databases (rs532337986, ExAC 0.009%). This variant has been observed in individual(s) with hereditary angioedema (PMID: 29753808; Invitae). Algorithms developed to predict the effect of missense changes on protein structure and function are either unavailable or do not agree on the potential impact of this missense change (SIFT: "Deleterious"; PolyPhen-2: "Probably Damaging"; Align-GVGD: "Class C0"). In summary, the available evidence is currently insufficient to determine the role of this variant in disease. Therefore, it has been classified as a Variant of Uncertain Significance.

Literature cited by the submitters: PubMed 29753808.

NM_000062.3(SERPING1):c.988T>G (p.Tyr330Asp)

Gene: SERPING1 (serpin family G member 1; plus strand). Cytogenetic location: 11q12.1.
Variant type: single nucleotide variant.
Coding change: c.988T>G on transcript NM_000062.3 (MANE Select); coding-DNA position 988, T replaced by G.
Protein change: p.Tyr330Asp; replaces tyrosine 330 with aspartic acid.
Molecular consequence: missense variant.
Genome position (GRCh38, 1-based): chr11:57,606,506, T>G. VCF-style: chr11-57606506-T-G. GRCh37 (hg19) VCF-style: chr11-57373979-T-G.
Other names: c.988T>G, p.Tyr330Asp (NM_001032295.2); short protein forms Y330D.
Identifiers: ClinVar variation 1424557 (VCV001424557.8), dbSNP rs532337986, ClinGen allele CA6008173.
Genomic context (GRCh38, chr11:57,606,506, plus strand): 5'-ATGGAACCCTTTCACTTCAAAAACTCAGTTATAAAAGTGCCCATGATGAATAGCAAGAAG[T>G]ACCCTGTGGCCCATTTCATTGACCAAACTTTGAAAGCCAAGGTAAGTTCTTAACCTTTCC-3'
Protein context (NP_000053.2, residues 320-340): IKVPMMNSKK[Tyr330Asp]PVAHFIDQTL